The following is an entry in ClinVar:

NM_001606.5(ABCA2):c.678+6G>A

Gene: ABCA2 (ATP binding cassette subfamily A member 2; minus strand). Cytogenetic location: 9q34.3.
Variant type: single nucleotide variant.
Coding change: c.678+6G>A on transcript NM_001606.5 (MANE Select); 6 bases into the intron after coding-DNA position 678, G replaced by A.
Molecular consequence: intron variant.
Genome position (GRCh38, 1-based): chr9:137,021,885, C>T on the plus strand (G>A on the coding strand, the complement: ABCA2 is on the minus strand). VCF-style: chr9-137021885-C-T. GRCh37 (hg19) VCF-style: chr9-139916337-C-T.
Other names: c.768+6G>A (NM_212533.3); c.675+6G>A (NM_001411042.1).
Identifiers: ClinVar variation 4850084 (VCV004850084.1).

ClinVar aggregate classification (germline): Uncertain significance (1 of 4 stars; one submission).

Conditions:
Intellectual developmental disorder with poor growth and with or without seizures or ataxia. Identifiers: MedGen C5394135, MONDO:0032930, OMIM 618808.

gnomAD v4.1: 7 of 1,586,312 alleles (0.00044%); highest among the groups gnomAD compares: South Asian, 0.008%; no homozygotes.

Submission:

Institute for Clinical Genetics, University Hospital TU Dresden, University Hospital TU Dresden
Classification: Uncertain significance for Intellectual developmental disorder with poor growth and with or without seizures or ataxia. Last evaluated: 2024-01-17. Review status: criteria provided, single submitter. Criteria: ACMG Guidelines, 2015. Collection method: clinical testing. Allele origin: germline. Affected: yes.
Comment: The variant in the ABCA2 gene (NM_001606.5:c.678+6G>A, p.?) is a base exchange in the non-coding sequence of intron 7. Bioinformatic prediction algorithms for assessing a potential splicing effect (SpliceAI) estimate the variant to be insignificant, but this has not yet been confirmed by functional investigations. This variant is not yet listed in the ClinVar database. In the gnomAD database of healthy individuals, this variant has been found heterozygous 7 times in healthy individuals. According to current ACMG recommendations for variant evaluation (PMID 25741868), the criteria PM2_SUP and BP4 are fulfilled, resulting in an evaluation as a variant of unclear significance (ACMG class 3).